The following is an entry in ClinVar:

NM_000384.3(APOB):c.37_42del (p.Ala13_Leu14del)

Genes: APOB (apolipoprotein B; minus strand), LOC106560211 (APOB 5' regulatory region; plus strand). Cytogenetic location: 2p24.1.
Variant type: Deletion.
Coding change: c.37_42del on transcript NM_000384.3 (MANE Select); coding-DNA positions 37 to 42, 6 bases deleted (GCGCTG; older notation c.37_42delGCGCTG).
Protein change: p.Ala13_Leu14del.
Molecular consequence: inframe deletion.
Genome position (GRCh38, 1-based): chr2:21,043,904-21,043,909, CAGCGC deleted on the plus strand (GCGCTG on the coding strand, the reverse complement: APOB is on the minus strand); deleting any 6 consecutive bases within chr2:21,043,904-21,043,913 gives the same sequence; the c. name uses the placement nearest the transcript's 3' end. VCF-style (leftmost placement, unchanged base first): chr2-21043903-GCAGCGC-G. GRCh37 (hg19) VCF-style: chr2-21266775-GCAGCGC-G.
Identifiers: ClinVar variation 548052 (VCV000548052.1), dbSNP rs1553301469, ClinGen allele CA658822660.

ClinVar aggregate classification (germline): Uncertain significance. Review status: criteria provided, single submitter (1 of 4 stars). 2 submissions from 1 submitter: Uncertain significance (1). 1 of the submissions does not count toward it. Last evaluated 2018-01-02.

Conditions:
Hypercholesterolemia, familial, 1. Also called: HYPERCHOLESTEROLEMIA, FAMILIAL, MODIFIER OF; LDL RECEPTOR DISORDER; Hyperlipoproteinemia Type IIa; HYPER-LOW-DENSITY-LIPOPROTEINEMIA; HYPERCHOLESTEROLEMIC XANTHOMATOSIS, FAMILIAL; Fredrickson type IIa hyperlipoproteinemia. Identifiers: Orphanet 391665, MedGen C0745103, MONDO:0007750, OMIM 143890.

Submissions (2):

Robarts Research Institute, Western University
Classification: Uncertain significance for Hypercholesterolemia, familial, 1. Last evaluated: 2018-01-02. Review status: criteria provided, single submitter. Criteria: ACMG Guidelines, 2015. Collection method: clinical testing. Allele origin: germline. Inheritance: Autosomal dominant inheritance. Affected: yes.

Robarts Research Institute, Western University
Classification: Uncertain significance for Hypercholesterolemia, familial, 1. Last evaluated: 2018-01-02. Review status: flagged submission. Criteria: ACMG Guidelines, 2015. Collection method: clinical testing. Allele origin: germline. Inheritance: Autosomal dominant inheritance. Affected: yes. Not counted in ClinVar's aggregate classification.
ClinVar note: Reason: This record appears to be redundant with a more recent record from the same submitter.
ClinVar note: Notes: SCV000782843 appears to be redundant with SCV000782848.